The following is an entry in ClinVar:

ClinVar aggregate classification (germline): Uncertain significance (1 of 4 stars; one submission).

Conditions:
Inborn genetic diseases. Identifiers: MedGen C0950123, MeSH D030342.

Submission:

Ambry Genetics
Classification: Uncertain significance for Inborn genetic diseases. Last evaluated: 2021-09-05. Review status: criteria provided, single submitter. Criteria: Ambry Variant Classification Scheme 2023. Collection method: clinical testing. Allele origin: germline.
Comment: The p.P242S variant (also known as c.724C>T), located in coding exon 4 of the ATR gene, results from a C to T substitution at nucleotide position 724. The proline at codon 242 is replaced by serine, an amino acid with similar properties. This amino acid position is conserved. In addition, this alteration is predicted to be tolerated by in silico analysis. Since supporting evidence is limited at this time, the clinical significance of this alteration remains unclear.

NM_001184.4(ATR):c.724C>T (p.Pro242Ser)

Gene: ATR (ATR checkpoint kinase; minus strand). Cytogenetic location: 3q23.
Variant type: single nucleotide variant.
Coding change: c.724C>T on transcript NM_001184.4 (MANE Select); coding-DNA position 724, C replaced by T.
Protein change: p.Pro242Ser; replaces proline 242 with serine.
Molecular consequence: missense variant.
Genome position (GRCh38, 1-based): chr3:142,562,678, G>A on the plus strand (C>T on the coding strand, the complement: ATR is on the minus strand). VCF-style: chr3-142562678-G-A. GRCh37 (hg19) VCF-style: chr3-142281520-G-A.
Other names: c.724C>T, p.Pro242Ser (NM_001354579.2); short protein forms P242S.
Identifiers: ClinVar variation 1757907 (VCV001757907.2), dbSNP rs2034925378, ClinGen allele CA354825827.
Genomic context (GRCh38, chr3:142,562,678, plus strand): 5'-GTAGTCCTCCAAGCTGAAAAAGTTCTGTTAAAAAGCTAATTGCTAGGGATTTAATTTTTG[G>A]ACTACCATACTCTAGCAGAACACAACCTATCTGCCAAAGTAAGAGTTCTTGCCTTCTAAA-3'
Protein context (NP_001175.2, residues 232-252): IGCVLLEYGS[Pro242Ser]KIKSLAISFL